The following is an entry in ClinVar:

ClinVar aggregate classification (germline): Uncertain significance. Review status: criteria provided, multiple submitters, no conflicts (2 of 4 stars). 2 submissions from 2 submitters: Uncertain significance (2). Last evaluated 2026-01-22.

Conditions:
Facioscapulohumeral muscular dystrophy 2 (FSHD2). Also called: MUSCULAR DYSTROPHY, FACIOSCAPULOHUMERAL, TYPE 1B; FACIOSCAPULOHUMERAL MUSCULAR DYSTROPHY 2, DIGENIC; FSHD2, DIGENIC. Identifiers: Orphanet 269, MedGen C1834671, MONDO:0008031, OMIM 158901.

Submissions (2):

Labcorp Genetics (formerly Invitae), Labcorp
Classification: Uncertain significance for Facioscapulohumeral muscular dystrophy 2. Last evaluated: 2026-01-22. Review status: criteria provided, single submitter. Criteria: Invitae Variant Classification Sherloc (09022015). Collection method: clinical testing. Allele origin: germline.
Comment: This sequence change replaces arginine, which is basic and polar, with glutamine, which is neutral and polar, at codon 1811 of the SMCHD1 protein (p.Arg1811Gln). The frequency data for this variant in the population databases is considered unreliable, as metrics indicate poor data quality at this position in the gnomAD database. This variant has not been reported in the literature in individuals affected with SMCHD1-related conditions. ClinVar contains an entry for this variant (Variation ID: 3667374). Invitae Evidence Modeling of protein sequence and biophysical properties (such as structural, functional, and spatial information, amino acid conservation, physicochemical variation, residue mobility, and thermodynamic stability) indicates that this missense variant is expected to disrupt SMCHD1 protein function with a positive predictive value of 80%. In summary, the available evidence is currently insufficient to determine the role of this variant in disease. Therefore, it has been classified as a Variant of Uncertain Significance.

Blueprint Genetics
Classification: Uncertain significance. Last evaluated: 2024-11-11. Review status: criteria provided, single submitter. Criteria: ACMG Guidelines, 2015. Collection method: clinical testing. Allele origin: germline.

NM_015295.3(SMCHD1):c.5432G>A (p.Arg1811Gln)

Gene: SMCHD1 (structural maintenance of chromosomes flexible hinge domain containing 1; plus strand). Cytogenetic location: 18p11.32.
Variant type: single nucleotide variant.
Coding change: c.5432G>A on transcript NM_015295.3 (MANE Select); coding-DNA position 5432, G replaced by A.
Protein change: p.Arg1811Gln; replaces arginine 1811 with glutamine.
Molecular consequence: missense variant.
Genome position (GRCh38, 1-based): chr18:2,777,871, G>A. VCF-style: chr18-2777871-G-A. GRCh37 (hg19) VCF-style: chr18-2777869-G-A.
Other names: short protein forms R1811Q.
Identifiers: ClinVar variation 3667374 (VCV003667374.3).